The following is an entry in ClinVar:

NM_003482.4(KMT2D):c.6013C>T (p.Arg2005Cys)

Gene: KMT2D (lysine methyltransferase 2D; minus strand). Cytogenetic location: 12q13.12.
Variant type: single nucleotide variant.
Coding change: c.6013C>T on transcript NM_003482.4 (MANE Select); coding-DNA position 6013, C replaced by T.
Protein change: p.Arg2005Cys; replaces arginine 2005 with cysteine.
Molecular consequence: missense variant.
Genome position (GRCh38, 1-based): chr12:49,042,185, G>A on the plus strand (C>T on the coding strand, the complement: KMT2D is on the minus strand). VCF-style: chr12-49042185-G-A. GRCh37 (hg19) VCF-style: chr12-49435968-G-A.
Other names: short protein forms R2005C.
Identifiers: ClinVar variation 1509757 (VCV001509757.8), dbSNP rs2120553517, ClinGen allele CA384627068.

ClinVar aggregate classification (germline): Uncertain significance (1 of 4 stars; one submission).

Conditions:
Kabuki syndrome. Also called: NIIKAWA-KUROKI SYNDROME; Kabuki make-up syndrome. Identifiers: Orphanet 2322, MedGen C0796004, MONDO:0016512.

Allele frequency attached by ClinVar (database versions not stated): gnomAD exomes below 0.00001.
gnomAD v4.1: 2 of 1,611,204 alleles (0.00012%); highest among the groups gnomAD compares: Non-Finnish European, 0.00017%; no homozygotes.

Submission:

Labcorp Genetics (formerly Invitae), Labcorp
Classification: Uncertain significance for Kabuki syndrome. Last evaluated: 2022-07-12. Review status: criteria provided, single submitter. Criteria: Invitae Variant Classification Sherloc (09022015). Collection method: clinical testing. Allele origin: germline.
Comment: This sequence change replaces arginine, which is basic and polar, with cysteine, which is neutral and slightly polar, at codon 2005 of the KMT2D protein (p.Arg2005Cys). This variant is not present in population databases (gnomAD no frequency). This variant has not been reported in the literature in individuals affected with KMT2D-related conditions. ClinVar contains an entry for this variant (Variation ID: 1509757). Algorithms developed to predict the effect of missense changes on protein structure and function are either unavailable or do not agree on the potential impact of this missense change (SIFT: "Deleterious"; PolyPhen-2: "Probably Damaging"; Align-GVGD: "Class C0"). In summary, the available evidence is currently insufficient to determine the role of this variant in disease. Therefore, it has been classified as a Variant of Uncertain Significance.